The following is an entry in ClinVar:

ClinVar aggregate classification (germline): Likely pathogenic. Review status: criteria provided, multiple submitters, no conflicts (2 of 4 stars). 3 submissions from 3 submitters: Likely pathogenic (3). Last evaluated 2026-05-11.

Conditions:
Hereditary cancer-predisposing syndrome. Also called: Tumor predisposition; Hereditary Cancer Syndrome; Hereditary neoplastic syndrome; Neoplastic Syndromes, Hereditary. Identifiers: Orphanet 140162, MedGen C0027672, MeSH D009386, MONDO:0015356.
Ataxia-telangiectasia syndrome (AT). Also called: LOUIS-BAR SYNDROME; Cerebello-oculocutaneous telangiectasia; Immunodeficiency with ataxia telangiectasia; Ataxia-telangiectasia, complementation group D; AT, COMPLEMENTATION GROUP C; Ataxia-telangiectasia. Identifiers: Orphanet 100, MedGen C0004135, MONDO:0008840, OMIM 208900.

Submissions (3):

Ambry Genetics
Classification: Likely pathogenic for Hereditary cancer-predisposing syndrome. Last evaluated: 2026-05-11. Review status: criteria provided, single submitter. Criteria: Ambry Variant Classification Scheme 2023. Collection method: clinical testing. Allele origin: germline.
Comment: The c.4611+1G>A intronic variant results from a G to A substitution one nucleotide after coding exon 29 of the ATM gene. This nucleotide position is highly conserved in available vertebrate species. In silico splice site analysis predicts that this alteration will weaken the native splice donor site. RNA studies have demonstrated that this variant results in abnormal splicing in the set of samples tested (Ambry internal data). This variant is considered to be rare based on population cohorts in the Genome Aggregation Database (gnomAD). Alterations that disrupt the canonical splice site are expected to cause aberrant splicing, resulting in an abnormal protein or a transcript that is subject to nonsense-mediated mRNA decay. As such, this alteration is classified as likely pathogenic.

Labcorp Genetics (formerly Invitae), Labcorp
Classification: Likely pathogenic for Ataxia-telangiectasia syndrome. Last evaluated: 2019-11-30. Review status: criteria provided, single submitter. Criteria: Invitae Variant Classification Sherloc (09022015). Collection method: clinical testing. Allele origin: germline.
Comment: Donor and acceptor splice site variants typically lead to a loss of protein function (PMID: 16199547), and loss-of-function variants in ATM are known to be pathogenic (PMID: 23807571, 25614872). In summary, the currently available evidence indicates that the variant is pathogenic, but additional data are needed to prove that conclusively. Therefore, this variant has been classified as Likely Pathogenic. This variant has not been reported in the literature in individuals with ATM-related conditions. ClinVar contains an entry for this variant (Variation ID: 574722). This variant is not present in population databases (ExAC no frequency). This sequence change affects a donor splice site in intron 30 of the ATM gene. It is expected to disrupt RNA splicing and likely results in an absent or disrupted protein product.

CeGaT Center for Human Genetics Tuebingen
Classification: Likely pathogenic. Last evaluated: 2019-02-01. Review status: criteria provided, single submitter. Criteria: CeGaT Center For Human Genetics Tuebingen Variant Classification Criteria Version 2. Collection method: clinical testing. Allele origin: germline. Affected: yes. Observed: 3 variant alleles.

Literature cited by the submitters: PubMed 16199547 (cited by Labcorp Genetics (formerly Invitae), Labcorp); PubMed 23807571 (cited by Labcorp Genetics (formerly Invitae), Labcorp); PubMed 25614872 (cited by Labcorp Genetics (formerly Invitae), Labcorp).

NM_000051.4(ATM):c.4611+1G>A

Gene: ATM (ATM serine/threonine kinase; plus strand). Cytogenetic location: 11q22.3.
Variant type: single nucleotide variant.
Coding change: c.4611+1G>A on transcript NM_000051.4 (MANE Select); the canonical splice donor site of the intron after coding-DNA position 4611, G replaced by A.
Molecular consequence: splice donor variant.
Genome position (GRCh38, 1-based): chr11:108,292,794, G>A. VCF-style: chr11-108292794-G-A. GRCh37 (hg19) VCF-style: chr11-108163521-G-A.
Other names: c.4611+1G>A (NM_001351834.2).
Identifiers: ClinVar variation 574722 (VCV000574722.51), dbSNP rs1565461840, ClinGen allele CA382534119.
Genomic context (GRCh38, chr11:108,292,794, plus strand): 5'-CATGTTATTGTTGGTACACTTATACCCCTTGTGTATGAGCAGGTGGAGGTTCAGAAACAG[G>A]TAATTTTCTGACTCATCTTCAAAATGGTATTTAAAATATATAAAGTATTGTTAGAAGGAT-3'